The following is an entry in ClinVar:

ClinVar aggregate classification (germline): Uncertain significance (1 of 4 stars; one submission).

Allele frequency attached by ClinVar (database versions not stated): gnomAD exomes below 0.00001 and 0.00001; TOPMed below 0.00001.
gnomAD v4.1: 3 of 1,614,094 alleles (0.00019%); highest among the groups gnomAD compares: Non-Finnish European, 0.00025%; no homozygotes.

Submission:

Labcorp Genetics (formerly Invitae), Labcorp
Classification: Uncertain significance. Last evaluated: 2021-02-19. Review status: criteria provided, single submitter. Criteria: Invitae Variant Classification Sherloc (09022015). Collection method: clinical testing. Allele origin: germline.
Comment: This sequence change replaces leucine with phenylalanine at codon 2098 of the RTTN protein (p.Leu2098Phe). The leucine residue is weakly conserved and there is a small physicochemical difference between leucine and phenylalanine. This variant is not present in population databases (ExAC no frequency). This variant has not been reported in the literature in individuals with RTTN-related conditions. Algorithms developed to predict the effect of missense changes on protein structure and function are either unavailable or do not agree on the potential impact of this missense change (SIFT: "Deleterious"; PolyPhen-2: "Probably Damaging"; Align-GVGD: "Class C0"). Algorithms developed to predict the effect of sequence changes on RNA splicing suggest that this variant may create or strengthen a splice site, but this prediction has not been confirmed by published transcriptional studies. In summary, the available evidence is currently insufficient to determine the role of this variant in disease. Therefore, it has been classified as a Variant of Uncertain Significance.

NM_173630.4(RTTN):c.6292C>T (p.Leu2098Phe)

Gene: RTTN (rotatin; minus strand). Cytogenetic location: 18q22.2.
Variant type: single nucleotide variant.
Coding change: c.6292C>T on transcript NM_173630.4 (MANE Select); coding-DNA position 6292, C replaced by T.
Protein change: p.Leu2098Phe; replaces leucine 2098 with phenylalanine.
Molecular consequence: missense variant.
Genome position (GRCh38, 1-based): chr18:70,017,536, G>A on the plus strand (C>T on the coding strand, the complement: RTTN is on the minus strand). VCF-style: chr18-70017536-G-A. GRCh37 (hg19) VCF-style: chr18-67684772-G-A.
Other names: c.3556C>T, p.Leu1186Phe (NM_001318520.2); short protein forms L1186F, L2098F.
Identifiers: ClinVar variation 1477481 (VCV001477481.8), dbSNP rs1349092201, ClinGen allele CA402683357.